The following is an entry in ClinVar:

NM_000260.4(MYO7A):c.2697G>A (p.Glu899=)

Gene: MYO7A (myosin VIIA; plus strand). Cytogenetic location: 11q13.5.
Variant type: single nucleotide variant.
Coding change: c.2697G>A on transcript NM_000260.4 (MANE Select); coding-DNA position 2697, G replaced by A.
Protein change: p.Glu899=; no amino-acid change (glutamic acid 899 retained).
Molecular consequence: synonymous variant.
Genome position (GRCh38, 1-based): chr11:77,181,382, G>A. VCF-style: chr11-77181382-G-A. GRCh37 (hg19) VCF-style: chr11-76892428-G-A.
Other names: c.2697G>A, p.Glu899= (NM_001127180.2); c.2664G>A, p.Glu888= (NM_001369365.1).
Identifiers: ClinVar variation 306179 (VCV000306179.17), dbSNP rs782531164, ClinGen allele CA6197911.

ClinVar aggregate classification (germline): Conflicting classifications of pathogenicity. Review status: criteria provided, conflicting classifications (1 of 4 stars). 6 submissions from 4 submitters: Uncertain significance (2); Likely benign (3). 1 of the submissions does not count toward it. Last evaluated 2025-12-13.

Conditions:
Usher syndrome type 1 (USH1). Also called: RETINITIS PIGMENTOSA AND CONGENITAL DEAFNESS. Identifiers: Orphanet 231169, Orphanet 886, MedGen C1568247, MONDO:0010168, OMIM 276900.
Autosomal dominant nonsyndromic hearing loss 11. Identifiers: Orphanet 90635, MedGen C1832475, MONDO:0011032, OMIM 601317.
Autosomal recessive nonsyndromic hearing loss 2. Also called: DEAFNESS, AUTOSOMAL RECESSIVE 2; NEUROSENSORY NONSYNDROMIC RECESSIVE DEAFNESS 2. Identifiers: Orphanet 90636, MedGen C1838701, MONDO:0010807, OMIM 600060.
Usher syndrome type 1B (USH1B). Also called: Usher syndrome type IB. Identifiers: MedGen C1848638, MONDO:0700087.

Allele frequency attached by ClinVar (database versions not stated): gnomAD 0.00001; gnomAD exomes 0.00001 and 0.00010; TOPMed 0.00004; ExAC 0.00011.
gnomAD v4.1: 16 of 1,559,402 alleles (0.001%); highest among the groups gnomAD compares: East Asian, 0.036%; no homozygotes.

Submissions (6):

Labcorp Genetics (formerly Invitae), Labcorp
Classification: Likely benign. Last evaluated: 2025-12-13. Review status: criteria provided, single submitter. Criteria: Invitae Variant Classification Sherloc (09022015). Collection method: clinical testing. Allele origin: germline.

GeneDx
Classification: Likely benign. Last evaluated: 2018-03-23. Review status: criteria provided, single submitter. Criteria: GeneDx Variant Classification (06012015). Collection method: clinical testing. Allele origin: germline. Affected: yes.
Comment: This variant is considered likely benign or benign based on one or more of the following criteria: it is a conservative change, it occurs at a poorly conserved position in the protein, it is predicted to be benign by multiple in silico algorithms, and/or has population frequency not consistent with disease.

Illumina Laboratory Services, Illumina
Classification: Likely benign for Autosomal dominant nonsyndromic hearing loss 11. Last evaluated: 2018-01-13. Review status: criteria provided, single submitter. Criteria: ICSL Variant Classification Criteria 13 December 2019. Collection method: clinical testing. Allele origin: germline.
Comment: This variant was observed in the ICSL laboratory as part of a predisposition screen in an ostensibly healthy population. It had not been previously curated by ICSL or reported in the Human Gene Mutation Database (HGMD: prior to June 1st, 2018), and was therefore a candidate for classification through an automated scoring system. Utilizing variant allele frequency, disease prevalence and penetrance estimates, and inheritance mode, an automated score was calculated to assess if this variant is too frequent to cause the disease. Based on the score and internal cut-off values, a variant classified as likely benign is not then subjected to further curation. The score for this variant resulted in a classification of likely benign for this disease.

Illumina Laboratory Services, Illumina
Classification: Uncertain significance for Autosomal recessive nonsyndromic hearing loss 2. Last evaluated: 2018-01-13. Review status: criteria provided, single submitter. Criteria: ICSL Variant Classification Criteria 13 December 2019. Collection method: clinical testing. Allele origin: germline.

Illumina Laboratory Services, Illumina
Classification: Uncertain significance for Usher syndrome type 1. Last evaluated: 2018-01-13. Review status: criteria provided, single submitter. Criteria: ICSL Variant Classification Criteria 13 December 2019. Collection method: clinical testing. Allele origin: germline.

Natera, Inc.
Classification: Likely benign for Usher syndrome type 1B. Last evaluated: 2019-11-11. Review status: no assertion criteria provided. Collection method: clinical testing. Allele origin: germline. Not counted in ClinVar's aggregate classification.